The following is an entry in ClinVar:

ClinVar aggregate classification (germline): Uncertain significance. Review status: criteria provided, multiple submitters, no conflicts (2 of 4 stars). 4 submissions from 4 submitters: Uncertain significance (4). Last evaluated 2024-05-14.

Conditions:
Ataxia-telangiectasia syndrome (AT). Also called: Ataxia-telangiectasia, complementation group D; Cerebello-oculocutaneous telangiectasia; Immunodeficiency with ataxia telangiectasia; LOUIS-BAR SYNDROME; Ataxia-telangiectasia; AT, COMPLEMENTATION GROUP C. Identifiers: Orphanet 100, MedGen C0004135, MONDO:0008840, OMIM 208900.
Hereditary cancer-predisposing syndrome. Also called: Tumor predisposition; Hereditary neoplastic syndrome; Neoplastic Syndromes, Hereditary; Hereditary Cancer Syndrome. Identifiers: Orphanet 140162, MedGen C0027672, MeSH D009386, MONDO:0015356.

Allele frequency attached by ClinVar (database versions not stated): TOPMed below 0.00001; gnomAD 0.00001.

Submissions (4):

Labcorp Genetics (formerly Invitae), Labcorp
Classification: Uncertain significance for Ataxia-telangiectasia syndrome. Last evaluated: 2024-05-14. Review status: criteria provided, single submitter. Criteria: Invitae Variant Classification Sherloc (09022015). Collection method: clinical testing. Allele origin: germline.
Comment: This sequence change replaces arginine, which is basic and polar, with threonine, which is neutral and polar, at codon 1610 of the ATM protein (p.Arg1610Thr). This variant is not present in population databases (gnomAD no frequency). This variant has not been reported in the literature in individuals affected with ATM-related conditions. ClinVar contains an entry for this variant (Variation ID: 927959). An algorithm developed to predict the effect of missense changes on protein structure and function (PolyPhen-2) suggests that this variant is likely to be tolerated. In summary, the available evidence is currently insufficient to determine the role of this variant in disease. Therefore, it has been classified as a Variant of Uncertain Significance.

Ambry Genetics
Classification: Uncertain significance for Hereditary cancer-predisposing syndrome. Last evaluated: 2023-08-11. Review status: criteria provided, single submitter. Criteria: Ambry Variant Classification Scheme 2023. Collection method: clinical testing. Allele origin: germline.
Comment: The p.R1610T variant (also known as c.4829G>C), located in coding exon 31 of the ATM gene, results from a G to C substitution at nucleotide position 4829. The arginine at codon 1610 is replaced by threonine, an amino acid with similar properties. This amino acid position is highly conserved in available vertebrate species. In addition, this alteration is predicted to be deleterious by in silico analysis. Since supporting evidence is limited at this time, the clinical significance of this alteration remains unclear.

GeneDx
Classification: Uncertain significance. Last evaluated: 2022-12-22. Review status: criteria provided, single submitter. Criteria: GeneDx Variant Classification Process June 2021. Collection method: clinical testing. Allele origin: germline. Affected: yes.
Comment: Not observed at significant frequency in large population cohorts (gnomAD); In silico analysis supports that this missense variant does not alter protein structure/function; Has not been previously published as pathogenic or benign to our knowledge; This variant is associated with the following publications: (PMID: 34803902)

Color Diagnostics, LLC DBA Color Health
Classification: Uncertain significance for Hereditary cancer-predisposing syndrome. Last evaluated: 2021-04-14. Review status: criteria provided, single submitter. Criteria: ACMG Guidelines, 2015. Collection method: clinical testing. Allele origin: germline.
Comment: This missense variant replaces arginine with threonine at codon 1610 of the ATM protein. Computational prediction is inconclusive regarding the impact of this variant on protein structure and function (internally defined REVEL score threshold 0.5 < inconclusive < 0.7, PMID: 27666373). To our knowledge, functional studies have not been reported for this variant. This variant has not been reported in individuals affected with hereditary cancer in the literature. This variant has not been identified in the general population by the Genome Aggregation Database (gnomAD). The available evidence is insufficient to determine the role of this variant in disease conclusively. Therefore, this variant is classified as a Variant of Uncertain Significance.

NM_000051.4(ATM):c.4829G>C (p.Arg1610Thr)

Gene: ATM (ATM serine/threonine kinase; plus strand). Cytogenetic location: 11q22.3.
Variant type: single nucleotide variant.
Coding change: c.4829G>C on transcript NM_000051.4 (MANE Select); coding-DNA position 4829, G replaced by C.
Protein change: p.Arg1610Thr; replaces arginine 1610 with threonine.
Molecular consequence: missense variant.
Genome position (GRCh38, 1-based): chr11:108,294,979, G>C. VCF-style: chr11-108294979-G-C. GRCh37 (hg19) VCF-style: chr11-108165706-G-C.
Other names: c.4829G>C, p.Arg1610Thr (NM_001351834.2); short protein forms R1610T.
Identifiers: ClinVar variation 927959 (VCV000927959.16), dbSNP rs2083038225, ClinGen allele CA382536770.